The following is an entry in ClinVar:

NM_001040616.3(LINS1):c.1479T>C (p.Cys493=)

Gene: LINS1 (lines homolog 1; minus strand). Cytogenetic location: 15q26.3.
Variant type: single nucleotide variant.
Coding change: c.1479T>C on transcript NM_001040616.3 (MANE Select); coding-DNA position 1479, T replaced by C.
Protein change: p.Cys493=; no amino-acid change (cysteine 493 retained).
Molecular consequence: synonymous variant. On other transcripts: non-coding transcript variant (3).
Genome position (GRCh38, 1-based): chr15:100,570,033, A>G on the plus strand (T>C on the coding strand, the complement: LINS1 is on the minus strand). VCF-style: chr15-100570033-A-G. GRCh37 (hg19) VCF-style: chr15-101110238-A-G.
Other names: c.732T>C, p.Cys244= (NM_001352507.2); c.1326T>C, p.Cys442= (NM_001352508.2).
Identifiers: ClinVar variation 435759 (VCV000435759.55), dbSNP rs144513217, ClinGen allele CA7759393.

ClinVar aggregate classification (germline): Likely benign. Review status: criteria provided, multiple submitters, no conflicts (2 of 4 stars). 6 submissions from 6 submitters: Likely benign (6). Last evaluated 2026-03-01.

Conditions:
Inborn genetic diseases. Identifiers: MedGen C0950123, MeSH D030342.

Allele frequency attached by ClinVar (database versions not stated): gnomAD exomes 0.00030 and 0.00036; 1000 Genomes Project 30x 0.00031; ExAC 0.00036; gnomAD 0.00036; 1000 Genomes Project 0.00040; TOPMed 0.00045; ESP Exome Variant Server 0.00023.
gnomAD v4.1: 510 of 1,557,222 alleles (0.033%); highest among the groups gnomAD compares: Middle Eastern, 0.34%; 3 homozygotes.

Submissions (6):

CeGaT Center for Human Genetics Tuebingen
Classification: Likely benign. Last evaluated: 2026-03-01. Review status: criteria provided, single submitter. Criteria: CeGaT Center For Human Genetics Tuebingen Variant Classification Criteria Version 2. Collection method: clinical testing. Allele origin: germline. Affected: yes. Observed: 12 variant alleles.
Comment: LINS1: BP4, BP7

Blueprint Genetics
Classification: Likely benign. Last evaluated: 2024-10-09. Review status: criteria provided, single submitter. Criteria: ACMG Guidelines, 2015. Collection method: clinical testing. Allele origin: germline.

Labcorp Genetics (formerly Invitae), Labcorp
Classification: Likely benign. Last evaluated: 2019-12-31. Review status: criteria provided, single submitter. Criteria: Invitae Variant Classification Sherloc (09022015). Collection method: clinical testing. Allele origin: germline.

Ambry Genetics
Classification: Likely benign for Inborn genetic diseases. Last evaluated: 2017-01-20. Review status: criteria provided, single submitter. Criteria: Ambry Variant Classification Scheme 2023. Collection method: clinical testing. Allele origin: germline.

Genetic Services Laboratory, University of Chicago
Classification: Likely benign. Last evaluated: 2016-09-09. Review status: criteria provided, single submitter. Criteria: ACMG Guidelines, 2015. Collection method: clinical testing. Allele origin: germline. Affected: no.

Breakthrough Genomics
Classification: Likely benign. Review status: criteria provided, single submitter. Criteria: ACMG Guidelines, 2015. Collection method: not provided. Allele origin: germline. Inheritance: Autosomal recessive inheritance. Affected: yes.